The following is an entry in ClinVar:

ClinVar aggregate classification (germline): Uncertain significance (1 of 4 stars; one submission).

Allele frequency attached by ClinVar (database versions not stated): gnomAD exomes below 0.00001.
gnomAD v4.1: 3 of 1,609,074 alleles (0.00019%); highest among the groups gnomAD compares: East Asian, 0.0067%; no homozygotes.

Submission:

Labcorp Genetics (formerly Invitae), Labcorp
Classification: Uncertain significance. Last evaluated: 2021-08-28. Review status: criteria provided, single submitter. Criteria: Invitae Variant Classification Sherloc (09022015). Collection method: clinical testing. Allele origin: germline.
Comment: This sequence change replaces aspartic acid with glutamic acid at codon 196 of the KITLG protein (p.Asp196Glu). The aspartic acid residue is highly conserved and there is a small physicochemical difference between aspartic acid and glutamic acid. This variant is not present in population databases (ExAC no frequency). This variant has not been reported in the literature in individuals affected with KITLG-related conditions. Algorithms developed to predict the effect of missense changes on protein structure and function are either unavailable or do not agree on the potential impact of this missense change (SIFT: "Tolerated"; PolyPhen-2: "Probably Damaging"; Align-GVGD: "Class C0"). In summary, the available evidence is currently insufficient to determine the role of this variant in disease. Therefore, it has been classified as a Variant of Uncertain Significance.

NM_000899.5(KITLG):c.588C>G (p.Asp196Glu)

Gene: KITLG (KIT ligand; minus strand). Cytogenetic location: 12q21.32.
Variant type: single nucleotide variant.
Coding change: c.588C>G on transcript NM_000899.5 (MANE Select); coding-DNA position 588, C replaced by G.
Protein change: p.Asp196Glu; replaces aspartic acid 196 with glutamic acid.
Molecular consequence: missense variant. On other transcripts: intron variant (1).
Genome position (GRCh38, 1-based): chr12:88,515,550, G>C on the plus strand (C>G on the coding strand, the complement: KITLG is on the minus strand). VCF-style: chr12-88515550-G-C. GRCh37 (hg19) VCF-style: chr12-88909327-G-C.
Other names: c.520+784C>G (NM_003994.6); short protein forms D196E.
Identifiers: ClinVar variation 1441315 (VCV001441315.8), dbSNP rs1330441632, ClinGen allele CA386121847.